The following is an entry in ClinVar:

ClinVar aggregate classification (germline): Likely benign (1 of 4 stars; one submission).

gnomAD v4.1: 8,683 of 1,613,934 alleles (0.54%); highest among the groups gnomAD compares: Non-Finnish European, 0.66%; 31 homozygotes.

Submission:

CeGaT Center for Human Genetics Tuebingen
Classification: Likely benign. Last evaluated: 2024-02-01. Review status: criteria provided, single submitter. Criteria: CeGaT Center For Human Genetics Tuebingen Variant Classification Criteria Version 2. Collection method: clinical testing. Allele origin: germline. Affected: yes. Observed: 1 variant allele.
Comment: IRAK2: BP4, BS2

NM_001570.4(IRAK2):c.1523C>T (p.Thr508Met)

Gene: IRAK2 (interleukin 1 receptor associated kinase 2; plus strand). Cytogenetic location: 3p25.3.
Variant type: single nucleotide variant.
Coding change: c.1523C>T on transcript NM_001570.4 (MANE Select); coding-DNA position 1523, C replaced by T.
Protein change: p.Thr508Met; replaces threonine 508 with methionine.
Molecular consequence: missense variant.
Genome position (GRCh38, 1-based): chr3:10,238,797, C>T. VCF-style: chr3-10238797-C-T. GRCh37 (hg19) VCF-style: chr3-10280481-C-T.
Other names: short protein forms T508M.
Identifiers: ClinVar variation 3341606 (VCV003341606.16).